The following is an entry in ClinVar:

ClinVar aggregate classification (germline): Likely benign. Review status: criteria provided, single submitter (1 of 4 stars). 2 submissions from 2 submitters: Likely benign (1). 1 of the submissions does not count toward it. Last evaluated 2025-01-01.

Conditions:
PIEZO1-related disorder. Also called: PIEZO1-related condition; PIEZO1-Related Disorders.

gnomAD v4.1: 93 of 1,550,346 alleles (0.006%); highest among the groups gnomAD compares: Non-Finnish European, 0.0075%; no homozygotes.

Submissions (2):

Labcorp Genetics (formerly Invitae), Labcorp
Classification: Likely benign. Last evaluated: 2025-01-01. Review status: criteria provided, single submitter. Criteria: Invitae Variant Classification Sherloc (09022015). Collection method: clinical testing. Allele origin: germline.

PreventionGenetics, part of Exact Sciences
Classification: Likely benign for PIEZO1-related condition. Last evaluated: 2024-05-01. Review status: no assertion criteria provided. Collection method: clinical testing. Allele origin: germline. Not counted in ClinVar's aggregate classification.
Comment: This variant is classified as likely benign based on ACMG/AMP sequence variant interpretation guidelines (Richards et al. 2015 PMID: 25741868, with internal and published modifications).

NM_001142864.4(PIEZO1):c.6078C>A (p.Thr2026=)

Gene: PIEZO1 (piezo type mechanosensitive ion channel component 1 (Er blood group); minus strand). Cytogenetic location: 16q24.3.
Variant type: single nucleotide variant.
Coding change: c.6078C>A on transcript NM_001142864.4 (MANE Select); coding-DNA position 6078, C replaced by A.
Protein change: p.Thr2026=; no amino-acid change (threonine 2026 retained).
Molecular consequence: synonymous variant.
Genome position (GRCh38, 1-based): chr16:88,720,155, G>T on the plus strand (C>A on the coding strand, the complement: PIEZO1 is on the minus strand). VCF-style: chr16-88720155-G-T. GRCh37 (hg19) VCF-style: chr16-88786563-G-T.
Identifiers: ClinVar variation 3352793 (VCV003352793.3).